The following is an entry in ClinVar:

NM_001182.5(ALDH7A1):c.*325A>G

Gene: ALDH7A1 (aldehyde dehydrogenase 7 family member A1; minus strand). Cytogenetic location: 5q23.2.
Variant type: single nucleotide variant.
Coding change: c.*325A>G on transcript NM_001182.5 (MANE Select); 325 bases downstream of the stop codon, A replaced by G.
Molecular consequence: 3 prime UTR variant.
Genome position (GRCh38, 1-based): chr5:126,544,640, T>C on the plus strand (A>G on the coding strand, the complement: ALDH7A1 is on the minus strand). VCF-style: chr5-126544640-T-C. GRCh37 (hg19) VCF-style: chr5-125880332-T-C.
Other names: c.*325A>G (NM_001201377.2, NM_001202404.2).
Identifiers: ClinVar variation 903756 (VCV000903756.28), dbSNP rs55923017, ClinGen allele CA126882012.

ClinVar aggregate classification (germline): Likely benign. Review status: criteria provided, multiple submitters, no conflicts (2 of 4 stars). 2 submissions from 2 submitters: Likely benign (2). Last evaluated 2022-05-01.

Conditions:
Pyridoxine-dependent epilepsy (EPEO4). Also called: Pyridoxine-Dependent Epilepsy - ALDH7A1; EPILEPSY, EARLY-ONSET, 4, VITAMIN B6-DEPENDENT; Pyridoxine-Dependent Seizures; PYRIDOXINE DEPENDENCY WITH SEIZURES. Identifiers: Orphanet 3006, MedGen C1849508, MONDO:0009945, OMIM 266100. Disease mechanism: loss of function.

Allele frequency attached by ClinVar (database versions not stated): 1000 Genomes Project 0.00240; 1000 Genomes Project 30x 0.00250; TOPMed 0.00471; gnomAD 0.00500 and 0.00504; gnomAD exomes 0.00610.
gnomAD v4.1: 1,940 of 345,836 alleles (0.56%); highest among the groups gnomAD compares: Non-Finnish European, 0.86%; 8 homozygotes.

Submissions (2):

CeGaT Center for Human Genetics Tuebingen
Classification: Likely benign. Last evaluated: 2022-05-01. Review status: criteria provided, single submitter. Criteria: CeGaT Center For Human Genetics Tuebingen Variant Classification Criteria Version 2. Collection method: clinical testing. Allele origin: germline. Affected: yes. Observed: 1 variant allele.
Comment: ALDH7A1: BS1

Illumina Laboratory Services, Illumina
Classification: Likely benign for Pyridoxine-dependent epilepsy. Last evaluated: 2018-01-12. Review status: criteria provided, single submitter. Criteria: ICSL Variant Classification Criteria 13 December 2019. Collection method: clinical testing. Allele origin: germline.
Comment: This variant was observed in the ICSL laboratory as part of a predisposition screen in an ostensibly healthy population. It had not been previously curated by ICSL or reported in the Human Gene Mutation Database (HGMD: prior to June 1st, 2018), and was therefore a candidate for classification through an automated scoring system. Utilizing variant allele frequency, disease prevalence and penetrance estimates, and inheritance mode, an automated score was calculated to assess if this variant is too frequent to cause the disease. Based on the score and internal cut-off values, a variant classified as likely benign is not then subjected to further curation. The score for this variant resulted in a classification of likely benign for this disease.